The following is an entry in ClinVar:

NM_014855.3(AP5Z1):c.2060C>G (p.Ser687Cys)

Gene: AP5Z1 (adaptor related protein complex 5 subunit zeta 1; plus strand). Cytogenetic location: 7p22.1.
Variant type: single nucleotide variant.
Coding change: c.2060C>G on transcript NM_014855.3 (MANE Select); coding-DNA position 2060, C replaced by G.
Protein change: p.Ser687Cys; replaces serine 687 with cysteine.
Molecular consequence: missense variant. On other transcripts: non-coding transcript variant (1).
Genome position (GRCh38, 1-based): chr7:4,790,794, C>G. VCF-style: chr7-4790794-C-G. GRCh37 (hg19) VCF-style: chr7-4830425-C-G.
Other names: c.2060C>G, p.Ser687Cys (LRG_1247t1); c.1592C>G, p.Ser531Cys (NM_001364858.1); short protein forms S687C, S531C.
Identifiers: ClinVar variation 240938 (VCV000240938.15), dbSNP rs201478168, ClinGen allele CA4138279.

ClinVar aggregate classification (germline): Uncertain significance. Review status: criteria provided, multiple submitters, no conflicts (2 of 4 stars). 5 submissions from 5 submitters: Uncertain significance (4). 1 of the submissions does not count toward it. Last evaluated 2025-10-24.

Conditions:
Hereditary spastic paraplegia 48. Also called: SPASTIC PARAPLEGIA 48, AUTOSOMAL RECESSIVE; Spastic paraplegia 48. Identifiers: Orphanet 306511, MedGen C3150901, MONDO:0013342, OMIM 613647.
Retinal dystrophy. Also called: Inherited retinal dystrophy. Identifiers: Orphanet 71862, MedGen C0854723, MeSH D058499, MONDO:0019118, HP:0000556.

Allele frequency attached by ClinVar (database versions not stated): TOPMed 0.00006; ExAC 0.00008; gnomAD exomes 0.00008; gnomAD 0.00019.
gnomAD v4.1: 145 of 1,609,144 alleles (0.009%); highest among the groups gnomAD compares: Non-Finnish European, 0.012%; 1 homozygote.

Submissions (5):

Athena Diagnostics
Classification: Uncertain significance. Last evaluated: 2025-10-24. Review status: criteria provided, single submitter. Criteria: Athena Diagnostics Criteria. Collection method: clinical testing. Allele origin: unknown.
Comment: Available data are insufficient to determine the clinical significance of the variant at this time. The frequency of this variant in the general population is uninformative in assessment of its pathogenicity. Polyphen and MutationTaster yielded discordant predictions regarding whether this amino acid change is damaging to the protein.

Labcorp Genetics (formerly Invitae), Labcorp
Classification: Uncertain significance for Hereditary spastic paraplegia 48. Last evaluated: 2025-10-02. Review status: criteria provided, single submitter. Criteria: Invitae Variant Classification Sherloc (09022015). Collection method: clinical testing. Allele origin: germline.
Comment: This sequence change replaces serine, which is neutral and polar, with cysteine, which is neutral and slightly polar, at codon 687 of the AP5Z1 protein (p.Ser687Cys). This variant is present in population databases (rs201478168, gnomAD 0.02%). This variant has not been reported in the literature in individuals affected with AP5Z1-related conditions. ClinVar contains an entry for this variant (Variation ID: 240938). Invitae Evidence Modeling of protein sequence and biophysical properties (such as structural, functional, and spatial information, amino acid conservation, physicochemical variation, residue mobility, and thermodynamic stability) indicates that this missense variant is not expected to disrupt AP5Z1 protein function with a negative predictive value of 80%. In summary, the available evidence is currently insufficient to determine the role of this variant in disease. Therefore, it has been classified as a Variant of Uncertain Significance.

Mayo Clinic Laboratories, Mayo Clinic
Classification: Uncertain significance. Last evaluated: 2025-03-31. Review status: criteria provided, single submitter. Criteria: ACMG Guidelines, 2015. Collection method: clinical testing. Allele origin: germline. Observed: 2 variant alleles.
Comment: BP4

GeneDx
Classification: Uncertain significance. Last evaluated: 2022-07-07. Review status: criteria provided, single submitter. Criteria: GeneDx Variant Classification Process June 2021. Collection method: clinical testing. Allele origin: germline. Affected: yes.
Comment: In silico analysis supports that this missense variant has a deleterious effect on protein structure/function; Has not been previously published as pathogenic or benign to our knowledge

Institute of Human Genetics, Univ. Regensburg, Univ. Regensburg
Classification: Uncertain significance for Retinal dystrophy. Last evaluated: 2023-01-01. Review status: no assertion criteria provided. Criteria: ACMG Guidelines, 2015. Collection method: clinical testing. Allele origin: germline. Affected: yes. Not counted in ClinVar's aggregate classification.